The following is an entry in ClinVar:

NM_001130823.3(DNMT1):c.3668G>A (p.Arg1223His)

Gene: DNMT1 (DNA methyltransferase 1; minus strand). Cytogenetic location: 19p13.2.
Variant type: single nucleotide variant.
Coding change: c.3668G>A on transcript NM_001130823.3 (MANE Select); coding-DNA position 3668, G replaced by A.
Protein change: p.Arg1223His; replaces arginine 1223 with histidine.
Molecular consequence: missense variant.
Genome position (GRCh38, 1-based): chr19:10,140,184, C>T on the plus strand (G>A on the coding strand, the complement: DNMT1 is on the minus strand). VCF-style: chr19-10140184-C-T. GRCh37 (hg19) VCF-style: chr19-10250860-C-T.
Other names: c.3668G>A (LRG_362t1, NM_001130823.2); c.3620G>A, p.Arg1207His (NM_001318730.2, NM_001379.4); c.3305G>A, p.Arg1102His (NM_001318731.2); short protein forms R1223H, R1207H, R1102H.
Identifiers: ClinVar variation 438391 (VCV000438391.18), dbSNP rs757460628, ClinGen allele CA9187695.

ClinVar aggregate classification (germline): Conflicting classifications of pathogenicity. Review status: criteria provided, conflicting classifications (1 of 4 stars). 6 submissions from 6 submitters: Uncertain significance (2); Benign (1); Likely benign (2). 1 of the submissions does not count toward it. Last evaluated 2026-05-14.

Conditions:
DNMT1-related disorder. Also called: DNMT1-related condition. Identifiers: MedGen CN381527.
Inborn genetic diseases. Identifiers: MedGen C0950123, MeSH D030342.
Hereditary sensory neuropathy-deafness-dementia syndrome. Also called: Hereditary sensory neuropathy type IE; HSN IE; NEUROPATHY, HEREDITARY SENSORY, WITH HEARING LOSS AND DEMENTIA; Hereditary Sensory and Autonomic Neuropathy Type 1E (HSAN1E). Identifiers: Orphanet 456318, MedGen C3279885, MONDO:0013584, OMIM 614116.
Beckwith-Wiedemann syndrome (BWS). Also called: EMG SYNDROME; Exomphalos macroglossia gigantism syndrome. Identifiers: Orphanet 116, MedGen C0004903, MONDO:0007534, OMIM 130650.

Allele frequency attached by ClinVar (database versions not stated): gnomAD 0.00001; ExAC 0.00002; TOPMed 0.00002; gnomAD exomes 0.00003 and 0.00006.
gnomAD v4.1: 43 of 1,613,876 alleles (0.0027%); highest among the groups gnomAD compares: Admixed American, 0.027%; no homozygotes.

Submissions (6):

PreventionGenetics, part of Exact Sciences
Classification: Uncertain significance for DNMT1-related condition. Last evaluated: 2026-05-14. Review status: criteria provided, single submitter. Criteria: ACMG Guidelines, 2015. Collection method: clinical testing. Allele origin: germline.
Comment: The DNMT1 c.3668G>A variant is predicted to result in the amino acid substitution p.Arg1223His. To our knowledge, this variant has not been reported in the literature. This variant is reported in 0.040% of alleles in individuals of Latino descent in gnomAD. At this time, the clinical significance of this variant is uncertain due to the absence of conclusive functional and genetic evidence.

Labcorp Genetics (formerly Invitae), Labcorp
Classification: Uncertain significance for Hereditary sensory neuropathy-deafness-dementia syndrome. Last evaluated: 2025-12-12. Review status: criteria provided, single submitter. Criteria: Invitae Variant Classification Sherloc (09022015). Collection method: clinical testing. Allele origin: germline.
Comment: This sequence change replaces arginine, which is basic and polar, with histidine, which is basic and polar, at codon 1223 of the DNMT1 protein (p.Arg1223His). This variant is present in population databases (rs757460628, gnomAD 0.04%), and has an allele count higher than expected for a pathogenic variant. This variant has not been reported in the literature in individuals affected with DNMT1-related conditions. ClinVar contains an entry for this variant (Variation ID: 438391). Invitae Evidence Modeling of protein sequence and biophysical properties (such as structural, functional, and spatial information, amino acid conservation, physicochemical variation, residue mobility, and thermodynamic stability) indicates that this missense variant is not expected to disrupt DNMT1 protein function with a negative predictive value of 80%. In summary, the available evidence is currently insufficient to determine the role of this variant in disease. Therefore, it has been classified as a Variant of Uncertain Significance.

Ambry Genetics
Classification: Likely benign for Inborn genetic diseases. Last evaluated: 2021-11-03. Review status: criteria provided, single submitter. Criteria: Ambry Variant Classification Scheme 2023. Collection method: clinical testing. Allele origin: germline.

GeneDx
Classification: Likely benign. Last evaluated: 2020-11-11. Review status: criteria provided, single submitter. Criteria: GeneDx Variant Classification Process June 2021. Collection method: clinical testing. Allele origin: germline. Affected: yes.
Comment: See Variant Classification Assertion Criteria.

Illumina Laboratory Services, Illumina
Classification: Benign for Hereditary sensory neuropathy-deafness-dementia syndrome. Last evaluated: 2018-01-13. Review status: criteria provided, single submitter. Criteria: ICSL Variant Classification Criteria 13 December 2019. Collection method: clinical testing. Allele origin: germline.
Comment: This variant was observed in the ICSL laboratory as part of a predisposition screen in an ostensibly healthy population. It had not been previously curated by ICSL or reported in the Human Gene Mutation Database (HGMD: prior to June 1st, 2018), and was therefore a candidate for classification through an automated scoring system. Utilizing variant allele frequency, disease prevalence and penetrance estimates, and inheritance mode, an automated score was calculated to assess if this variant is too frequent to cause the disease. Based on the score and internal cut-off values, a variant classified as benign is not then subjected to further curation. The score for this variant resulted in a classification of benign for this disease.

Genetics and Molecular Pathology Laboratory, Hudson Institute of Medical Research
Classification: Uncertain significance for Beckwith-Wiedemann syndrome. Review status: no assertion criteria provided. Collection method: research. Allele origin: germline, not applicable. Affected: yes. Observed: 1 variant allele, 1 heterozygote. Not counted in ClinVar's aggregate classification.
Comment: This variant was identified in heterozygous form in 1 of 53 cases with Beckwith Wiedemann syndrome with loss of KCNQ1OT1 at Imprinting centre 2 on 11p15.5. The variant frequency in dbSNP is 0.00002.